The following is an entry in ClinVar:

ClinVar aggregate classification (germline): Uncertain significance. Review status: criteria provided, multiple submitters, no conflicts (2 of 4 stars). 2 submissions from 2 submitters: Uncertain significance (2). Last evaluated 2025-05-22.

Conditions:
Inborn genetic diseases. Identifiers: MedGen C0950123, MeSH D030342.
Baller-Gerold syndrome (BGS). Also called: CRANIOSYNOSTOSIS WITH RADIAL DEFECTS. Identifiers: Orphanet 1225, MedGen C0265308, MONDO:0009039, OMIM 218600.

Submissions (2):

Ambry Genetics
Classification: Uncertain significance for Inborn genetic diseases. Last evaluated: 2025-05-22. Review status: criteria provided, single submitter. Criteria: Ambry Variant Classification Scheme 2023. Collection method: clinical testing. Allele origin: germline.
Comment: The p.Q176P variant (also known as c.527A>C), located in coding exon 5 of the RECQL4 gene, results from an A to C substitution at nucleotide position 527. The glutamine at codon 176 is replaced by proline, an amino acid with similar properties. This amino acid position is conserved. In addition, this alteration is predicted to be tolerated by in silico analysis. Based on the available evidence, the clinical significance of this variant remains unclear.

Labcorp Genetics (formerly Invitae), Labcorp
Classification: Uncertain significance for Baller-Gerold syndrome. Last evaluated: 2024-01-20. Review status: criteria provided, single submitter. Criteria: Invitae Variant Classification Sherloc (09022015). Collection method: clinical testing. Allele origin: germline.
Comment: This sequence change replaces glutamine, which is neutral and polar, with proline, which is neutral and non-polar, at codon 176 of the RECQL4 protein (p.Gln176Pro). This variant is not present in population databases (gnomAD no frequency). This variant has not been reported in the literature in individuals affected with RECQL4-related conditions. ClinVar contains an entry for this variant (Variation ID: 1393892). Advanced modeling of protein sequence and biophysical properties (such as structural, functional, and spatial information, amino acid conservation, physicochemical variation, residue mobility, and thermodynamic stability) performed at Invitae indicates that this missense variant is not expected to disrupt RECQL4 protein function with a negative predictive value of 80%. In summary, the available evidence is currently insufficient to determine the role of this variant in disease. Therefore, it has been classified as a Variant of Uncertain Significance.

NM_004260.4(RECQL4):c.527A>C (p.Gln176Pro)

Gene: RECQL4 (RecQ like helicase 4; minus strand). Cytogenetic location: 8q24.3.
Variant type: single nucleotide variant.
Coding change: c.527A>C on transcript NM_004260.4 (MANE Select); coding-DNA position 527, A replaced by C.
Protein change: p.Gln176Pro; replaces glutamine 176 with proline.
Molecular consequence: missense variant.
Genome position (GRCh38, 1-based): chr8:144,516,592, T>G on the plus strand (A>C on the coding strand, the complement: RECQL4 is on the minus strand). VCF-style: chr8-144516592-T-G. GRCh37 (hg19) VCF-style: chr8-145741976-T-G.
Other names: c.527A>C (NM_004260.3); short protein forms Q176P.
Identifiers: ClinVar variation 1393892 (VCV001393892.7), dbSNP rs2130727180, ClinGen allele CA372691141.